The following is an entry in ClinVar:

ClinVar aggregate classification (germline): Uncertain significance (1 of 4 stars; one submission).

Submission:

Ambry Genetics
Classification: Uncertain significance. Last evaluated: 2025-04-14. Review status: criteria provided, single submitter. Criteria: Ambry Variant Classification Scheme 2023. Collection method: clinical testing. Allele origin: germline.
Comment: The p.N25K variant (also known as c.75C>A), located in coding exon 2 of the RINT1 gene, results from a C to A substitution at nucleotide position 75. The asparagine at codon 25 is replaced by lysine, an amino acid with similar properties. This amino acid position is conserved. In addition, this alteration is predicted to be tolerated by in silico analysis. Based on the available evidence, the clinical significance of this variant remains unclear.

NM_021930.6(RINT1):c.75C>A (p.Asn25Lys)

Gene: RINT1 (RAD50 interactor 1; plus strand). Cytogenetic location: 7q22.3.
Variant type: single nucleotide variant.
Coding change: c.75C>A on transcript NM_021930.6 (MANE Select); coding-DNA position 75, C replaced by A.
Protein change: p.Asn25Lys; replaces asparagine 25 with lysine.
Molecular consequence: missense variant. On other transcripts: 5 prime UTR variant (4), non-coding transcript variant (1).
Genome position (GRCh38, 1-based): chr7:105,532,856, C>A. VCF-style: chr7-105532856-C-A. GRCh37 (hg19) VCF-style: chr7-105173303-C-A.
Other names: c.-23C>A (NM_001346599.2); c.-945C>A (NM_001346600.2); c.-848C>A (NM_001346601.2); c.-468C>A (NM_001346603.2); short protein forms N25K.
Identifiers: ClinVar variation 3945983 (VCV003945983.1).
Genomic context (GRCh38, chr7:105,532,856, plus strand): 5'-GTGCTTGTCACATCTGTTCTTCTTCTAGTGCTGCTCTGAAAGTGGTGACGAAAGGAAGAA[C>A]CTCGAGGAGAAAAGTAAGCCAGCTCCAAACACCTTAGCTTTTTCTTCCCGCCCAAACTCA-3'
Protein context (NP_068749.3, residues 15-35): CCSESGDERK[Asn25Lys]LEEKSDINVT